The following is an entry in ClinVar:

NM_001170700.3(DTHD1):c.1744G>T (p.Asp582Tyr)

Gene: DTHD1 (death domain containing 1; plus strand). Cytogenetic location: 4p14.
Variant type: single nucleotide variant.
Coding change: c.1744G>T on transcript NM_001170700.3 (MANE Select); coding-DNA position 1744, G replaced by T.
Protein change: p.Asp582Tyr; replaces aspartic acid 582 with tyrosine.
Molecular consequence: missense variant. On other transcripts: non-coding transcript variant (2).
Genome position (GRCh38, 1-based): chr4:36,306,291, G>T. VCF-style: chr4-36306291-G-T. GRCh37 (hg19) VCF-style: chr4-36307913-G-T.
Other names: c.874G>T, p.Asp292Tyr (NM_001136536.5); c.811G>T, p.Asp271Tyr (NM_001378435.1); short protein forms D271Y, D292Y, D582Y.
Identifiers: ClinVar variation 3686870 (VCV003686870.2).

ClinVar aggregate classification (germline): Uncertain significance (1 of 4 stars; one submission).

gnomAD v4.1: 1 of 1,551,712 alleles (0.000064%); highest among the groups gnomAD compares: Non-Finnish European, 0.000087%; no homozygotes.

Submission:

Labcorp Genetics (formerly Invitae), Labcorp
Classification: Uncertain significance. Last evaluated: 2024-08-15. Review status: criteria provided, single submitter. Criteria: Invitae Variant Classification Sherloc (09022015). Collection method: clinical testing. Allele origin: germline.
Comment: This sequence change replaces aspartic acid, which is acidic and polar, with tyrosine, which is neutral and polar, at codon 292 of the DTHD1 protein (p.Asp292Tyr). This variant is not present in population databases (gnomAD no frequency). This variant has not been reported in the literature in individuals affected with DTHD1-related conditions. An algorithm developed to predict the effect of missense changes on protein structure and function (PolyPhen-2) suggests that this variant is likely to be disruptive. Algorithms developed to predict the effect of sequence changes on RNA splicing suggest that this variant may disrupt the consensus splice site. In summary, the available evidence is currently insufficient to determine the role of this variant in disease. Therefore, it has been classified as a Variant of Uncertain Significance.